The following is an entry in ClinVar:

ClinVar aggregate classification (germline): Likely pathogenic (1 of 4 stars; one submission).

Conditions:
Pheochromocytoma/paraganglioma syndrome 1. Also called: PARAGANGLIOMATA; Paragangliomas 1; Glomus tumors familial 1; Paraganglioma - glomus jugulare; SDHD-Related Hereditary Paraganglioma-Pheochromocytoma Syndrome; PARAGANGLIOMAS, FAMILIAL NONCHROMAFFIN, 1. Identifiers: Orphanet 29072, MedGen C3494181, MONDO:0008192, OMIM 168000.

Submission:

Division of Genetic & Genomic Pathology, Hong Kong Children's Hospital
Classification: Likely pathogenic for Pheochromocytoma/paraganglioma syndrome 1. Last evaluated: 2024-04-16. Review status: criteria provided, single submitter. Criteria: ACMG Guidelines, 2015. Collection method: clinical testing. Allele origin: germline. Affected: yes.
Comment: SDHD c.36dup is a single-nucleotide duplication located in exon 1 (out of 4 exons). It disrupts the original reading frame of the gene and is predicted to result in loss of protein function by nonsense-mediated mRNA decay. The variant is absent from the control populations (gnomAD v2.1.1 and gnomAD v4.0.0). It has been reported in a patient with phaeochromocytoma/paraganglioma (PMID: 29386252). Since loss-of-function is the known disease mechanism for the SDHD gene, the variant is classified as likely pathogenic.

Literature cited by the submitters: PubMed 29386252.

NM_003002.4(SDHD):c.36dup (p.Ala13fs)

Genes: SDHD (succinate dehydrogenase complex subunit D; plus strand), LOC126861339 (BRD4-independent group 4 enhancer GRCh37_chr11:111957035-111958234; plus strand). Cytogenetic location: 11q23.1.
Variant type: Duplication.
Coding change: c.36dup on transcript NM_003002.4 (MANE Select); coding-DNA position 36, one base duplicated (T; older notation c.36dupT).
Protein change: p.Ala13fs; shifts the reading frame from alanine 13.
Molecular consequence: frameshift variant. On other transcripts: non-coding transcript variant (1).
Genome position (GRCh38, 1-based): chr11:112,086,943, T duplicated. VCF-style (leftmost placement, unchanged base first): chr11-112086942-G-GT. GRCh37 (hg19) VCF-style: chr11-111957666-G-GT.
Other names: c.36dup, p.Ala13fs (NM_001276503.2, NM_001276504.2, NM_001276506.2); short protein forms A13fs.
Identifiers: ClinVar variation 4884409 (VCV004884409.1).